The following is an entry in ClinVar:

ClinVar aggregate classification (germline): Pathogenic/Likely pathogenic. Review status: criteria provided, multiple submitters, no conflicts (2 of 4 stars). 6 submissions from 6 submitters: Pathogenic (4); Likely pathogenic (1). 1 of the submissions does not count toward it. Last evaluated 2025-10-02.

Conditions:
Breast-ovarian cancer, familial, susceptibility to, 1 (BROVCA1). Also called: BRCA1 Hereditary Breast and Ovarian Cancer; OVARIAN CANCER, SUSCEPTIBILITY TO. Identifiers: Orphanet 145, MedGen C2676676, MONDO:0011450, OMIM 604370. Disease mechanism: loss of function.
Hereditary cancer-predisposing syndrome. Also called: Hereditary Cancer Syndrome; Hereditary neoplastic syndrome; Neoplastic Syndromes, Hereditary; Tumor predisposition. Identifiers: Orphanet 140162, MedGen C0027672, MeSH D009386, MONDO:0015356.
Hereditary breast ovarian cancer syndrome. Also called: BRCA1- and BRCA2-Associated Hereditary Breast and Ovarian Cancer; Hereditary breast and ovarian cancer syndrome; Hereditary breast and ovarian cancer syndrome (HBOC); Breast and ovarian cancer; Hereditary breast and/or ovarian cancer syndrome; Hereditary breast and ovarian cancer. Identifiers: Orphanet 145, MedGen C0677776, MeSH D061325, MONDO:0003582. Disease mechanism: loss of function.

Submissions (8):

Ambry Genetics
Classification: Pathogenic for Hereditary cancer-predisposing syndrome. Last evaluated: 2025-10-02. Review status: criteria provided, single submitter. Criteria: Ambry Variant Classification Scheme 2023. Collection method: clinical testing. Allele origin: germline.
Comment: The c.5407-2A>G intronic pathogenic mutation results from an A to G substitution two nucleotides upstream from coding exon 21 in the BRCA1 gene. Alterations that disrupt the canonical splice site are expected to result in aberrant splicing. In silico splice site analysis predicts that this alteration will weaken the native splice acceptor site and may result in the creation or strengthening of a novel splice acceptor site. A resulting transcript is predicted to be in-frame and is not expected to trigger nonsense-mediated mRNAdecay; although, direct evidence is unavailable. However, the region predicted to be impacted is critical for protein function (Ambry internal data). One functional study found that this nucleotide substitution is non-functional in a high throughput genome editing haploid cell survival assay (Findlay GM et al. Nature, 2018 Oct;562:217-222). This variant is considered to be rare based on population cohorts in the Genome Aggregation Database (gnomAD). This nucleotide position is highly conserved in available vertebrate species. Based on the supporting evidence, this variant is interpreted as a disease-causing mutation.

Quest Diagnostics Nichols Institute San Juan Capistrano
Classification: Pathogenic. Last evaluated: 2023-08-22. Review status: criteria provided, single submitter. Criteria: Quest Diagnostics criteria. Collection method: clinical testing. Allele origin: unknown.
Comment: The BRCA1 c.5407-2A>G variant disrupts a canonical splice-acceptor site and interferes with normal BRCA1 mRNA splicing. This variant has been reported in the published literature in affected families with breast and/or ovarian cancer (PMIDs: 12955719 (2003) and 34981296 (2022)). Functional studies have reported that this variant is damaging to protein function (PMIDs: 12955719 (2003) and 30209399 (2018)). This variant has not been reported in large, multi-ethnic general populations (Genome Aggregation Database). Based on the available information, this variant is classified as pathogenic.

Labcorp Genetics (formerly Invitae), Labcorp
Classification: Likely pathogenic for Hereditary breast ovarian cancer syndrome. Last evaluated: 2023-01-28. Review status: criteria provided, single submitter. Criteria: Invitae Variant Classification Sherloc (09022015). Collection method: clinical testing. Allele origin: germline.
Comment: In summary, the currently available evidence indicates that the variant is pathogenic, but additional data are needed to prove that conclusively. Therefore, this variant has been classified as Likely Pathogenic. Studies have shown that disruption of this splice site is associated with altered splicing resulting in unknown protein product impact (PMID: 12955719). This variant has been reported to affect BRCA1 protein function (PMID: 30209399). Algorithms developed to predict the effect of variants on protein structure and function are not available or were not evaluated for this variant. ClinVar contains an entry for this variant (Variation ID: 55567). This variant is also known as IVS22-2A>G. Disruption of this splice site has been observed in individual(s) with breast and/or ovarian cancer (PMID: 12955719, 29339979, 29446198, 29470806). This variant is not present in population databases (gnomAD no frequency). This sequence change affects an acceptor splice site in intron 21 of the BRCA1 gene. It is expected to disrupt RNA splicing. Variants that disrupt the donor or acceptor splice site typically lead to a loss of protein function (PMID: 16199547), and loss-of-function variants in BRCA1 are known to be pathogenic (PMID: 20104584).

Consortium of Investigators of Modifiers of BRCA1/2 (CIMBA), c/o University of Cambridge
Classification: Pathogenic for Breast-ovarian cancer, familial, susceptibility to, 1. Last evaluated: 2015-10-02. Review status: criteria provided, single submitter. Criteria: CIMBA Mutation Classification guidelines May 2016. Collection method: clinical testing. Allele origin: germline.

Department of Medical Genetics, Oslo University Hospital
Classification: Pathogenic for Breast-ovarian cancer, familial, susceptibility to, 1. Last evaluated: 2015-06-17. Review status: criteria provided, single submitter. Criteria: ACMG Guidelines, 2015. Collection method: clinical testing. Allele origin: germline. Affected: yes. Observed: 2 variant alleles.

Breast Cancer Information Core (BIC) (BRCA1)
Classification: Pathogenic for Breast-ovarian cancer, familial 1. Last evaluated: 2004-02-20. Review status: no assertion criteria provided. Collection method: clinical testing. Allele origin: germline. Affected: yes. Observed: 1 variant allele. Not counted in ClinVar's aggregate classification.

Brotman Baty Institute, University of Washington
No classification provided (evidence only). Condition: Breast-ovarian cancer, familial 1. Review status: no classification provided. Collection method: in vitro. Allele origin: not applicable. Functional consequence: functionally_abnormal. Not counted in ClinVar's aggregate classification.
ClinVar note: "not provided" was previously submitted as the classification for the variant. However, the classification appeared to be based only on an observation of functional data so it was converted to no classification on 2025-07-30.

MutSpliceDB: a database of splice sites variants effects on splicing, NIH
No classification provided (evidence only). Review status: no classification provided. Collection method: in vitro. Allele origin: not applicable. Functional consequence: retained intron. Not counted in ClinVar's aggregate classification.

Literature cited by the submitters: PubMed 30209399 (cited by 3 submitters); PubMed 34981296 (cited by Quest Diagnostics Nichols Institute San Juan Capistrano); PubMed 29446198 (cited by Quest Diagnostics Nichols Institute San Juan Capistrano and Labcorp Genetics (formerly Invitae), Labcorp); PubMed 29339979 (cited by Quest Diagnostics Nichols Institute San Juan Capistrano and Labcorp Genetics (formerly Invitae), Labcorp); PubMed 12955719 (cited by Quest Diagnostics Nichols Institute San Juan Capistrano and Labcorp Genetics (formerly Invitae), Labcorp); PubMed 29470806 (cited by Labcorp Genetics (formerly Invitae), Labcorp); PubMed 16199547 (cited by Labcorp Genetics (formerly Invitae), Labcorp); PubMed 20104584 (cited by Labcorp Genetics (formerly Invitae), Labcorp).

NM_007294.4(BRCA1):c.5407-2A>G

Gene: BRCA1 (BRCA1 DNA repair associated; minus strand). Cytogenetic location: 17q21.31.
Variant type: single nucleotide variant.
Coding change: c.5407-2A>G on transcript NM_007294.4 (MANE Select); the canonical splice acceptor site of the intron before coding-DNA position 5407, A replaced by G.
Molecular consequence: splice acceptor variant.
Genome position (GRCh38, 1-based): chr17:43,047,705, T>C on the plus strand (A>G on the coding strand, the complement: BRCA1 is on the minus strand). VCF-style: chr17-43047705-T-C. GRCh37 (hg19) VCF-style: chr17-41199722-T-C.
Other names: IVS22-2A>G; c.5407-2A>G (NM_001407598.1, NM_001407596.1, NM_001407602.1 and 5 more transcripts); c.1882-2A>G (NM_001408492.1, NM_001408493.1); c.1951-2A>G (NM_001408468.1, NM_001408470.1, NM_001408469.1); c.5260-2A>G (NM_001407842.1, NM_001407846.1, NM_001407850.1 and 12 more transcripts); c.5263-2A>G (NM_001407749.1, NM_001407748.1, NM_001407752.1 and 18 more transcripts); c.1834-2A>G (NM_001408501.1, NM_001408500.1, NM_001408497.1 and 3 more transcripts); c.1957-2A>G (NM_001408455.1, NM_001408452.1, NM_001408457.1 and 3 more transcripts); and 84 more.
Identifiers: ClinVar variation 55567 (VCV000055567.16), dbSNP rs80358002, ClinGen allele CA003572.